The following is an entry in ClinVar:

ClinVar aggregate classification (germline): Uncertain significance (1 of 4 stars; one submission).

Conditions:
Cardiovascular phenotype. Identifiers: MedGen CN230736.

gnomAD v4.1: 1 of 1,550,288 alleles (0.000065%); highest among the groups gnomAD compares: East Asian, 0.0024%; no homozygotes.

Submission:

Ambry Genetics
Classification: Uncertain significance for Cardiovascular phenotype. Last evaluated: 2023-12-03. Review status: criteria provided, single submitter. Criteria: Ambry Variant Classification Scheme 2023. Collection method: clinical testing. Allele origin: germline.
Comment: The p.A1854S variant (also known as c.5560G>T), located in coding exon 2 of the ZNF469 gene, results from a G to T substitution at nucleotide position 5560. The alanine at codon 1854 is replaced by serine, an amino acid with similar properties. This amino acid position is conserved. In addition, this alteration is predicted to be tolerated by in silico analysis. Since supporting evidence is limited at this time, the clinical significance of this alteration remains unclear.

NM_001367624.2(ZNF469):c.5644G>T (p.Ala1882Ser)

Gene: ZNF469 (zinc finger protein 469; plus strand). Cytogenetic location: 16q24.2.
Variant type: single nucleotide variant.
Coding change: c.5644G>T on transcript NM_001367624.2 (MANE Select); coding-DNA position 5644, G replaced by T.
Protein change: p.Ala1882Ser; replaces alanine 1882 with serine.
Molecular consequence: missense variant.
Genome position (GRCh38, 1-based): chr16:88,433,114, G>T. VCF-style: chr16-88433114-G-T. GRCh37 (hg19) VCF-style: chr16-88499522-G-T.
Other names: NM_001127464.1:c.5560G>T; short protein forms A1882S.
Identifiers: ClinVar variation 3232827 (VCV003232827.1), dbSNP rs74032866, ClinGen allele CA397101720.